The following is an entry in ClinVar:

NM_002775.5(HTRA1):c.88T>C (p.Ser30Pro)

Gene: HTRA1 (HtrA serine peptidase 1; plus strand). Cytogenetic location: 10q26.13.
Variant type: single nucleotide variant.
Coding change: c.88T>C on transcript NM_002775.5 (MANE Select); coding-DNA position 88, T replaced by C.
Protein change: p.Ser30Pro; replaces serine 30 with proline.
Molecular consequence: missense variant.
Genome position (GRCh38, 1-based): chr10:122,461,740, T>C. VCF-style: chr10-122461740-T-C. GRCh37 (hg19) VCF-style: chr10-124221256-T-C.
Other names: short protein forms S30P.
Identifiers: ClinVar variation 4977719 (VCV004977719.1).

ClinVar aggregate classification (germline): Uncertain significance (1 of 4 stars; one submission).

Conditions:
HTRA1-related disorder. Also called: HTRA1-related condition.

gnomAD v4.1: 2 of 1,150,680 alleles (0.00017%); highest among the groups gnomAD compares: Admixed American, 0.0082%; no homozygotes.

Submission:

PreventionGenetics, part of Exact Sciences
Classification: Uncertain significance for HTRA1-related condition. Last evaluated: 2024-12-02. Review status: criteria provided, single submitter. Criteria: ACMG Guidelines, 2015. Collection method: clinical testing. Allele origin: germline.
Comment: The HTRA1 c.88T>C variant is predicted to result in the amino acid substitution p.Ser30Pro. To our knowledge, this variant has not been reported in the literature or in a large population database (gnomAD), indicating this variant is rare. At this time, the clinical significance of this variant is uncertain due to the absence of conclusive functional and genetic evidence.